The following is an entry in ClinVar:

ClinVar aggregate classification (germline): Benign. Review status: criteria provided, multiple submitters, no conflicts (2 of 4 stars). 3 submissions from 2 submitters: Benign (3). Last evaluated 2018-01-13.

Conditions:
Idiopathic hypereosinophilic syndrome (HES). Identifiers: Orphanet 3260, MedGen C0206141, MONDO:0011895, OMIM 607685. Disease mechanism: gain of function.
Gastrointestinal stromal tumor. Also called: Gastrointestinal stromal tumor, somatic; Gastrointestinal stroma tumor. Identifiers: Orphanet 44890, MedGen C0238198, MeSH D046152, MONDO:0011719, OMIM 606764, HP:0100723.

Allele frequency attached by ClinVar (database versions not stated): 1000 Genomes Project 0.00859; 1000 Genomes Project 30x 0.00937; TOPMed 0.01020; gnomAD exomes 0.01273; gnomAD 0.01364.
gnomAD v4.1: 2,838 of 232,624 alleles (1.2%); highest among the groups gnomAD compares: Middle Eastern, 2.2%; 30 homozygotes.

Submissions (3):

Illumina Laboratory Services, Illumina
Classification: Benign for Idiopathic hypereosinophilic syndrome. Last evaluated: 2018-01-13. Review status: criteria provided, single submitter. Criteria: ICSL Variant Classification Criteria 13 December 2019. Collection method: clinical testing. Allele origin: germline.
Comment: This variant was observed in the ICSL laboratory as part of a predisposition screen in an ostensibly healthy population. It had not been previously curated by ICSL or reported in the Human Gene Mutation Database (HGMD: prior to June 1st, 2018), and was therefore a candidate for classification through an automated scoring system. Utilizing variant allele frequency, disease prevalence and penetrance estimates, and inheritance mode, an automated score was calculated to assess if this variant is too frequent to cause the disease. Based on the score and internal cut-off values, a variant classified as benign is not then subjected to further curation. The score for this variant resulted in a classification of benign for this disease.

Illumina Laboratory Services, Illumina
Classification: Benign for Gastrointestinal stromal tumor. Last evaluated: 2018-01-13. Review status: criteria provided, single submitter. Criteria: ICSL Variant Classification Criteria 13 December 2019. Collection method: clinical testing. Allele origin: germline.
Comment: the same text as in the submission from Illumina Laboratory Services, Illumina above.

Breakthrough Genomics
Classification: Benign. Review status: criteria provided, single submitter. Criteria: ACMG Guidelines, 2015. Collection method: not provided. Allele origin: germline. Inheritance: Autosomal dominant inheritance. Affected: yes.

NM_006206.6(PDGFRA):c.*1429C>T

Gene: PDGFRA (platelet derived growth factor receptor alpha; plus strand). Cytogenetic location: 4q12.
Variant type: single nucleotide variant.
Coding change: c.*1429C>T on transcript NM_006206.6 (MANE Select); 1429 bases downstream of the stop codon, C replaced by T.
Molecular consequence: 3 prime UTR variant.
Genome position (GRCh38, 1-based): chr4:54,296,701, C>T. VCF-style: chr4-54296701-C-T. GRCh37 (hg19) VCF-style: chr4-55162868-C-T.
Other names: c.*1429C>T (NM_001347828.2, NM_001347829.2, NM_001347830.2).
Identifiers: ClinVar variation 348929 (VCV000348929.6), dbSNP rs56288633, ClinGen allele CA10618813.